The following is an entry in ClinVar:

NM_004260.4(RECQL4):c.1240G>A (p.Ala414Thr)

Gene: RECQL4 (RecQ like helicase 4; minus strand). Cytogenetic location: 8q24.3.
Variant type: single nucleotide variant.
Coding change: c.1240G>A on transcript NM_004260.4 (MANE Select); coding-DNA position 1240, G replaced by A.
Protein change: p.Ala414Thr; replaces alanine 414 with threonine.
Molecular consequence: missense variant. On other transcripts: non-coding transcript variant (3), intron variant (1).
Genome position (GRCh38, 1-based): chr8:144,515,782, C>T on the plus strand (G>A on the coding strand, the complement: RECQL4 is on the minus strand). VCF-style: chr8-144515782-C-T. GRCh37 (hg19) VCF-style: chr8-145741166-C-T.
Other names: c.-210+206G>A (NM_001413043.1); c.1144G>A, p.Ala382Thr (NM_001413017.1, NM_001413020.1); c.1240G>A, p.Ala414Thr (NM_001413018.1, NM_001413019.1, NM_001413033.1 and 2 more transcripts); c.169G>A, p.Ala57Thr (NM_001413021.1, NM_001413022.1, NM_001413023.1 and 8 more transcripts); c.1111G>A, p.Ala371Thr (NM_001413025.1); c.107G>A, p.Ser36Asn (NM_001413027.1, NM_001413030.1, NM_001413031.1 and 2 more transcripts); c.889G>A, p.Ala297Thr (NM_001413029.1); short protein forms A382T, A414T, A297T, A371T, A57T, S36N.
Identifiers: ClinVar variation 4742926 (VCV004742926.1).

ClinVar aggregate classification (germline): Uncertain significance (1 of 4 stars; one submission).

Conditions:
Baller-Gerold syndrome (BGS). Also called: CRANIOSYNOSTOSIS WITH RADIAL DEFECTS. Identifiers: Orphanet 1225, MedGen C0265308, MONDO:0009039, OMIM 218600.

Submission:

Labcorp Genetics (formerly Invitae), Labcorp
Classification: Uncertain significance for Baller-Gerold syndrome. Last evaluated: 2025-02-13. Review status: criteria provided, single submitter. Criteria: Invitae Variant Classification Sherloc (09022015). Collection method: clinical testing. Allele origin: germline.
Comment: This sequence change replaces alanine, which is neutral and non-polar, with threonine, which is neutral and polar, at codon 414 of the RECQL4 protein (p.Ala414Thr). This variant is not present in population databases (gnomAD no frequency). This variant has not been reported in the literature in individuals affected with RECQL4-related conditions. Invitae Evidence Modeling of protein sequence and biophysical properties (such as structural, functional, and spatial information, amino acid conservation, physicochemical variation, residue mobility, and thermodynamic stability) indicates that this missense variant is not expected to disrupt RECQL4 protein function with a negative predictive value of 80%. In summary, the available evidence is currently insufficient to determine the role of this variant in disease. Therefore, it has been classified as a Variant of Uncertain Significance.